The following is an entry in ClinVar:

NM_002016.2(FLG):c.5733C>T (p.Ser1911=)

Genes: CCDST (cervical cancer associated DHX9 suppressive transcript; plus strand), FLG (filaggrin; minus strand). Cytogenetic location: 1q21.3.
Variant type: single nucleotide variant.
Coding change: c.5733C>T on transcript NM_002016.2 (MANE Select); coding-DNA position 5733, C replaced by T.
Protein change: p.Ser1911=; no amino-acid change (serine 1911 retained).
Molecular consequence: synonymous variant.
Genome position (GRCh38, 1-based): chr1:152,309,153, G>A on the plus strand (C>T on the coding strand, the complement: FLG is on the minus strand). VCF-style: chr1-152309153-G-A. GRCh37 (hg19) VCF-style: chr1-152281629-G-A.
Identifiers: ClinVar variation 3388922 (VCV003388922.14).

ClinVar aggregate classification (germline): Likely benign (1 of 4 stars; one submission).

Submission:

CeGaT Center for Human Genetics Tuebingen
Classification: Likely benign. Last evaluated: 2024-11-01. Review status: criteria provided, single submitter. Criteria: CeGaT Center For Human Genetics Tuebingen Variant Classification Criteria Version 2. Collection method: clinical testing. Allele origin: germline. Affected: yes. Observed: 1 variant allele.
Comment: FLG: BP4, BP7